The following is an entry in ClinVar:

ClinVar aggregate classification (germline): Uncertain significance (1 of 4 stars; one submission).

Conditions:
Cardiovascular phenotype. Identifiers: MedGen CN230736.

Submission:

Ambry Genetics
Classification: Uncertain significance for Cardiovascular phenotype. Last evaluated: 2022-09-14. Review status: criteria provided, single submitter. Criteria: Ambry Variant Classification Scheme 2023. Collection method: clinical testing. Allele origin: germline.
Comment: The p.E1348Q variant (also known as c.4042G>C), located in coding exon 28 of the MYH7 gene, results from a G to C substitution at nucleotide position 4042. The glutamic acid at codon 1348 is replaced by glutamine, an amino acid with highly similar properties. This alteration has been reported in a hypertrophic cardiomyopathy (HCM) cohort; however, clinical details were limited (P&eacute;rez-S&aacute;nchez I et al. Rev Esp Cardiol (Engl Ed), 2018 Mar;71:146-154). This amino acid position is highly conserved in available vertebrate species. In addition, the in silico prediction for this alteration is inconclusive. Since supporting evidence is limited at this time, the clinical significance of this alteration remains unclear.

Literature cited by the submitters: PubMed 28687478.

NM_000257.4(MYH7):c.4042G>C (p.Glu1348Gln)

Gene: MYH7 (myosin heavy chain 7; minus strand). Cytogenetic location: 14q11.2.
Variant type: single nucleotide variant.
Coding change: c.4042G>C on transcript NM_000257.4 (MANE Select); coding-DNA position 4042, G replaced by C.
Protein change: p.Glu1348Gln; replaces glutamic acid 1348 with glutamine.
Molecular consequence: missense variant.
Genome position (GRCh38, 1-based): chr14:23,418,337, C>G on the plus strand (G>C on the coding strand, the complement: MYH7 is on the minus strand). VCF-style: chr14-23418337-C-G. GRCh37 (hg19) VCF-style: chr14-23887546-C-G.
Other names: c.4042G>C, p.Glu1348Gln (NM_001407004.1); short protein forms E1348Q.
Identifiers: ClinVar variation 1737296 (VCV001737296.2), dbSNP rs1275262402, ClinGen allele CA389041135.